The following is an entry in ClinVar:

ClinVar aggregate classification (germline): Pathogenic (1 of 4 stars; one submission).

Submission:

Labcorp Genetics (formerly Invitae), Labcorp
Classification: Pathogenic. Last evaluated: 2023-06-11. Review status: criteria provided, single submitter. Criteria: Invitae Variant Classification Sherloc (09022015). Collection method: clinical testing. Allele origin: germline.
Comment: For these reasons, this variant has been classified as Pathogenic. This variant has not been reported in the literature in individuals affected with SLC12A1-related conditions. This variant is not present in population databases (gnomAD no frequency). This sequence change creates a premature translational stop signal (p.Ser885*) in the SLC12A1 gene. It is expected to result in an absent or disrupted protein product. Loss-of-function variants in SLC12A1 are known to be pathogenic (PMID: 8640224, 9585600, 19096086).

Literature cited by the submitters: PubMed 8640224; PubMed 9585600; PubMed 19096086.

NM_000338.3(SLC12A1):c.2654C>A (p.Ser885Ter)

Gene: SLC12A1 (solute carrier family 12 member 1; plus strand). Cytogenetic location: 15q21.1.
Variant type: single nucleotide variant.
Coding change: c.2654C>A on transcript NM_000338.3 (MANE Select); coding-DNA position 2654, C replaced by A.
Protein change: p.Ser885Ter; replaces serine 885 with a stop codon.
Molecular consequence: nonsense.
Genome position (GRCh38, 1-based): chr15:48,288,067, C>A. VCF-style: chr15-48288067-C-A. GRCh37 (hg19) VCF-style: chr15-48580264-C-A.
Other names: c.2654C>A, p.Ser885Ter (NM_001184832.2, NM_001384136.1); short protein forms S885*.
Identifiers: ClinVar variation 2711618 (VCV002711618.3), dbSNP rs180847164, ClinGen allele CA392317676.
Genomic context (GRCh38, chr15:48,288,067, plus strand): 5'-AAGCAAACAGATGCATCAATTCCTCTTTCGTTTCAGATGGCAGCATTAACACAAGCCAGT[C>A]GATGCATGTGGGAGAGTTCAACCAGAAACTGGTGGAAGCCAGCACTCAATTTAAAAAGAA-3'